The following is an entry in ClinVar:

NM_001164508.2(NEB):c.349A>G (p.Thr117Ala)

Gene: NEB (nebulin; minus strand). Cytogenetic location: 2q23.3.
Variant type: single nucleotide variant.
Coding change: c.349A>G on transcript NM_001164508.2 (MANE Select); coding-DNA position 349, A replaced by G.
Protein change: p.Thr117Ala; replaces threonine 117 with alanine.
Molecular consequence: missense variant.
Genome position (GRCh38, 1-based): chr2:151,725,506, T>C on the plus strand (A>G on the coding strand, the complement: NEB is on the minus strand). VCF-style: chr2-151725506-T-C. GRCh37 (hg19) VCF-style: chr2-152582020-T-C.
Other names: c.349A>G, p.Thr117Ala (NM_001164507.2, NM_001271208.2, NM_004543.5); short protein forms T117A.
Identifiers: ClinVar variation 3767760 (VCV003767760.2).

ClinVar aggregate classification (germline): Uncertain significance (1 of 4 stars; one submission).

gnomAD v4.1: 3 of 1,613,690 alleles (0.00019%); highest among the groups gnomAD compares: Admixed American, 0.0017%; no homozygotes.

Submission:

GeneDx
Classification: Uncertain significance. Last evaluated: 2026-09-01. Review status: criteria provided, single submitter. Criteria: GeneDx Variant Classification Process June 2021. Collection method: clinical testing. Allele origin: germline.
Comment: Not observed at significant frequency in large population cohorts (gnomAD); In silico analysis suggests that this missense variant does not alter protein structure/function; Has not been previously published as pathogenic or benign to our knowledge